The following is an entry in ClinVar:

NM_004006.3(DMD):c.2360T>A (p.Leu787Gln)

Gene: DMD (dystrophin; minus strand). Cytogenetic location: Xp21.1.
Variant type: single nucleotide variant.
Coding change: c.2360T>A on transcript NM_004006.3 (MANE Select); coding-DNA position 2360, T replaced by A.
Protein change: p.Leu787Gln; replaces leucine 787 with glutamine.
Molecular consequence: missense variant.
Genome position (GRCh38, 1-based): chrX:32,501,775, A>T on the plus strand (T>A on the coding strand, the complement: DMD is on the minus strand). VCF-style: chrX-32501775-A-T. GRCh37 (hg19) VCF-style: chrX-32519892-A-T.
Other names: c.2336T>A, p.Leu779Gln (NM_000109.4); c.2348T>A, p.Leu783Gln (NM_004009.3); c.1991T>A, p.Leu664Gln (NM_004010.3); short protein forms L787Q, L664Q, L783Q, L779Q.
Identifiers: ClinVar variation 498379 (VCV000498379.8), dbSNP rs757260917, ClinGen allele CA10379551.

ClinVar aggregate classification (germline): Uncertain significance. Review status: criteria provided, multiple submitters, no conflicts (2 of 4 stars). 2 submissions from 2 submitters: Uncertain significance (2). Last evaluated 2022-11-10.

Conditions:
Duchenne muscular dystrophy (DMD). Also called: MUSCULAR DYSTROPHY, PSEUDOHYPERTROPHIC PROGRESSIVE, DUCHENNE TYPE; Duchenne Muscular Dystrophy (DMD). Identifiers: Orphanet 98896, MedGen C0013264, MONDO:0010679, OMIM 310200.

Allele frequency attached by ClinVar (database versions not stated): gnomAD exomes below 0.00001 and 0.00001; ExAC 0.00001.
gnomAD v4.1: 1 of 1,208,833 alleles (0.000083%); highest among the groups gnomAD compares: Non-Finnish European, 0.00011%; no homozygotes.

Submissions (2):

Labcorp Genetics (formerly Invitae), Labcorp
Classification: Uncertain significance for Duchenne muscular dystrophy. Last evaluated: 2022-11-10. Review status: criteria provided, single submitter. Criteria: Invitae Variant Classification Sherloc (09022015). Collection method: clinical testing. Allele origin: germline.
Comment: In summary, the available evidence is currently insufficient to determine the role of this variant in disease. Therefore, it has been classified as a Variant of Uncertain Significance. Advanced modeling of protein sequence and biophysical properties (such as structural, functional, and spatial information, amino acid conservation, physicochemical variation, residue mobility, and thermodynamic stability) performed at Invitae indicates that this missense variant is not expected to disrupt DMD protein function. ClinVar contains an entry for this variant (Variation ID: 498379). This variant has not been reported in the literature in individuals affected with DMD-related conditions. This variant is not present in population databases (gnomAD no frequency). This sequence change replaces leucine, which is neutral and non-polar, with glutamine, which is neutral and polar, at codon 787 of the DMD protein (p.Leu787Gln).

Eurofins Ntd Llc (ga)
Classification: Uncertain significance. Last evaluated: 2016-11-22. Review status: criteria provided, single submitter. Criteria: EGL Classification Definitions 2015. Collection method: clinical testing. Allele origin: germline. Observed: 1 variant allele, 1 hemizygote.